The following is an entry in ClinVar:

NM_004380.3(CREBBP):c.2050G>T (p.Ala684Ser)

Gene: CREBBP (CREB binding protein; minus strand). Cytogenetic location: 16p13.3.
Variant type: single nucleotide variant.
Coding change: c.2050G>T on transcript NM_004380.3 (MANE Select); coding-DNA position 2050, G replaced by T.
Protein change: p.Ala684Ser; replaces alanine 684 with serine.
Molecular consequence: missense variant.
Genome position (GRCh38, 1-based): chr16:3,778,074, C>A on the plus strand (G>T on the coding strand, the complement: CREBBP is on the minus strand). VCF-style: chr16-3778074-C-A. GRCh37 (hg19) VCF-style: chr16-3828075-C-A.
Other names: c.1936G>T, p.Ala646Ser (NM_001079846.1); short protein forms A646S, A684S.
Identifiers: ClinVar variation 1313827 (VCV001313827.3), dbSNP rs587778217, ClinGen allele CA394554478.
Genomic context (GRCh38, chr16:3,778,074, plus strand): 5'-GAGGTCTCACAGGTTGTGCCTGTGGAATCACAGGGGGCTGAGCCCCCGGGGCTGGTAAGG[C>A]TGGCTGGTTCCCCAAGATGCCTTGTTTATGTAAACGCGACCTCCGTTTTTCTTCTAGTTC-3'
Protein context (NP_004371.2, residues 674-694): HKQGILGNQP[Ala684Ser]LPAPGAQPPV

ClinVar aggregate classification (germline): Uncertain significance (1 of 4 stars; one submission).

Submission:

GeneDx
Classification: Uncertain significance. Last evaluated: 2024-03-27. Review status: criteria provided, single submitter. Criteria: GeneDx Variant Classification Process June 2021. Collection method: clinical testing. Allele origin: germline. Affected: yes.
Comment: Not observed at significant frequency in large population cohorts (gnomAD); In silico analysis supports that this missense variant does not alter protein structure/function; Has not been previously published as pathogenic or benign to our knowledge